The following is an entry in ClinVar:

NM_001376.5(DYNC1H1):c.13798AAG[1] (p.Lys4601del)

Gene: DYNC1H1 (dynein cytoplasmic 1 heavy chain 1; plus strand). Cytogenetic location: 14q32.31.
Variant type: Microsatellite.
Coding change: c.13798AAG[1] on transcript NM_001376.5 (MANE Select); one copy of the 3-base unit AAG starting at c.13798; the reference has two copies in a row; one copy, 3 bases deleted.
Protein change: p.Lys4601del; deletes lysine 4601.
Genome position (GRCh38, 1-based): chr14:102,050,187-102,050,189, AAG deleted; deleting any 3 consecutive bases within chr14:102,050,182-102,050,189 gives the same sequence; the position shown is the placement nearest the transcript's 3' end. VCF-style (leftmost placement, unchanged base first): chr14-102050181-GAGA-G. GRCh37 (hg19) VCF-style: chr14-102516518-GAGA-G.
Other names: short protein forms K4601del.
Identifiers: ClinVar variation 3700273 (VCV003700273.2).

ClinVar aggregate classification (germline): Uncertain significance (1 of 4 stars; one submission).

Conditions:
Charcot-Marie-Tooth disease axonal type 2O. Also called: CHARCOT-MARIE-TOOTH NEUROPATHY, AXONAL, TYPE 2O; CHARCOT-MARIE-TOOTH DISEASE, AXONAL, AUTOSOMAL DOMINANT, TYPE 2O; Charcot-Marie-Tooth Neuropathy Type 2O; Charcot-Marie-Tooth disease, axonal, type 20. Identifiers: Orphanet 284232, MedGen C3280220, MONDO:0013644, OMIM 614228.

Submission:

Labcorp Genetics (formerly Invitae), Labcorp
Classification: Uncertain significance for Charcot-Marie-Tooth disease axonal type 2O. Last evaluated: 2025-07-30. Review status: criteria provided, single submitter. Criteria: Invitae Variant Classification Sherloc (09022015). Collection method: clinical testing. Allele origin: germline.
Comment: This variant, c.13801_13803del, results in the deletion of 1 amino acid(s) of the DYNC1H1 protein (p.Lys4601del), but otherwise preserves the integrity of the reading frame. This variant is not present in population databases (gnomAD no frequency). This variant has not been reported in the literature in individuals affected with DYNC1H1-related conditions. Experimental studies and prediction algorithms are not available or were not evaluated, and the functional significance of this variant is currently unknown. In summary, the available evidence is currently insufficient to determine the role of this variant in disease. Therefore, it has been classified as a Variant of Uncertain Significance.